The following is an entry in ClinVar:

ClinVar aggregate classification (germline): Uncertain significance. Review status: criteria provided, single submitter (1 of 4 stars). 3 submissions from 3 submitters: Uncertain significance (1). 2 of the submissions do not count toward it. Last evaluated 2023-10-06.

Conditions:
Arrhythmogenic right ventricular dysplasia 12. Also called: ARRHYTHMOGENIC RIGHT VENTRICULAR DYSPLASIA, FAMILIAL, 12. Identifiers: MedGen C1969081, MONDO:0012684, OMIM 611528.
Naxos disease (NXD). Also called: CARDIOMYOPATHY, ARRHYTHMOGENIC RIGHT VENTRICULAR, WITH SKIN, HAIR, AND NAIL ABNORMALITIES; WOOLLY HAIR, PALMOPLANTAR KERATODERMA, AND CARDIAC ABNORMALITIES; KERATOSIS PALMOPLANTARIS WITH ARRHYTHMOGENIC CARDIOMYOPATHY; MAL DE NAXOS; PALMOPLANTAR KERATODERMA WITH ARRHYTHMOGENIC RIGHT VENTRICULAR CARDIOMYOPATHY AND WOOLLY HAIR. Identifiers: Orphanet 34217, MedGen C1832600, MONDO:0011017, OMIM 601214.

Submissions (3):

Labcorp Genetics (formerly Invitae), Labcorp
Classification: Uncertain significance for Arrhythmogenic right ventricular dysplasia 12; Naxos disease. Last evaluated: 2023-10-06. Review status: criteria provided, single submitter. Criteria: Invitae Variant Classification Sherloc (09022015). Collection method: clinical testing. Allele origin: germline.
Comment: This variant, c.116_118dup, results in the insertion of 1 amino acid(s) of the JUP protein (p.Ser39dup), but otherwise preserves the integrity of the reading frame. This variant is present in population databases (rs113994176, gnomAD 0.0009%). This variant has been observed in individual(s) with arrhythmogenic right ventricular cardiomyopathy (PMID: 17924338). It has also been observed to segregate with disease in related individuals. This variant is also known as insS. ClinVar contains an entry for this variant (Variation ID: 13600). Algorithms developed to predict the effect of variants on protein structure and function are not available or were not evaluated for this variant. Experimental studies have shown that this variant affects JUP function (PMID: 17924338, 18937352). In summary, the available evidence is currently insufficient to determine the role of this variant in disease. Therefore, it has been classified as a Variant of Uncertain Significance.

OMIM
Classification: Pathogenic for ARRHYTHMOGENIC RIGHT VENTRICULAR DYSPLASIA, FAMILIAL, 12 (1 family). Last evaluated: 2007-11-01. Review status: no assertion criteria provided. Collection method: literature only. Allele origin: germline. Not counted in ClinVar's aggregate classification.

GeneReviews
No classification provided. Condition: Arrhythmogenic right ventricular dysplasia 12. Review status: no classification provided. Collection method: literature only. Allele origin: germline. Not counted in ClinVar's aggregate classification.

Literature cited by the submitters: PubMed 17924338 (cited by Labcorp Genetics (formerly Invitae), Labcorp and OMIM); PubMed 18937352 (cited by Labcorp Genetics (formerly Invitae), Labcorp); NCBI Bookshelf NBK1131 (cited by GeneReviews).

NM_002230.4(JUP):c.113GCA[3] (p.Ser39dup)

Gene: JUP (junction plakoglobin; minus strand). Cytogenetic location: 17q21.2.
Variant type: Microsatellite.
Coding change: c.113GCA[3] on transcript NM_002230.4 (MANE Select); three copies in a row of the 3-base unit GCA starting at c.113; the reference has two copies in a row; one copy, 3 bases duplicated.
Protein change: p.Ser39dup; duplicates serine 39.
Molecular consequence: inframe insertion.
Genome position (GRCh38, 1-based): chr17:41,771,737-41,771,739, TGC duplicated on the plus strand (GCA on the coding strand, the reverse complement: JUP is on the minus strand); duplicating any 3 consecutive bases within chr17:41,771,737-41,771,744 gives the same sequence; the position shown is the placement nearest the transcript's 3' end. VCF-style (leftmost placement, unchanged base first): chr17-41771736-T-TTGC. GRCh37 (hg19) VCF-style: chr17-39927988-T-TTGC.
Other names: 118_119insGCA; c.113GCA[3], p.Ser39dup (NM_001352773.2, NM_001352774.2, NM_001352775.2 and 3 more transcripts).
Identifiers: ClinVar variation 13600 (VCV000013600.8), dbSNP rs113994176, ClinGen allele CA341294.